The following is an entry in ClinVar:

ClinVar aggregate classification (germline): Uncertain significance. Review status: criteria provided, multiple submitters, no conflicts (2 of 4 stars). 2 submissions from 2 submitters: Uncertain significance (2). Last evaluated 2025-05-30.

Conditions:
Hereditary cancer-predisposing syndrome. Also called: Hereditary Cancer Syndrome; Hereditary neoplastic syndrome; Tumor predisposition; Neoplastic Syndromes, Hereditary. Identifiers: Orphanet 140162, MedGen C0027672, MeSH D009386, MONDO:0015356.
Cardiovascular phenotype. Identifiers: MedGen CN230736.

Submissions (2):

Ambry Genetics
Classification: Uncertain significance for Cardiovascular phenotype; Hereditary cancer-predisposing syndrome. Last evaluated: 2025-05-30. Review status: criteria provided, single submitter. Criteria: Ambry Variant Classification Scheme 2023. Collection method: clinical testing. Allele origin: germline.
Comment: The p.N753D variant (also known as c.2257A>G), located in coding exon 19 of the LZTR1 gene, results from an A to G substitution at nucleotide position 2257. The asparagine at codon 753 is replaced by aspartic acid, an amino acid with highly similar properties. This amino acid position is well conserved in available vertebrate species. In addition, the in silico prediction for this alteration is inconclusive. Based on the available evidence, the clinical significance of this variant remains unclear.

Labcorp Genetics (formerly Invitae), Labcorp
Classification: Uncertain significance. Last evaluated: 2025-04-24. Review status: criteria provided, single submitter. Criteria: Invitae Variant Classification Sherloc (09022015). Collection method: clinical testing. Allele origin: germline.
Comment: This sequence change replaces asparagine, which is neutral and polar, with aspartic acid, which is acidic and polar, at codon 753 of the LZTR1 protein (p.Asn753Asp). This variant is not present in population databases (gnomAD no frequency). This variant has not been reported in the literature in individuals affected with LZTR1-related conditions. ClinVar contains an entry for this variant (Variation ID: 1788537). Invitae Evidence Modeling of protein sequence and biophysical properties (such as structural, functional, and spatial information, amino acid conservation, physicochemical variation, residue mobility, and thermodynamic stability) indicates that this missense variant is not expected to disrupt LZTR1 protein function with a negative predictive value of 80%. In summary, the available evidence is currently insufficient to determine the role of this variant in disease. Therefore, it has been classified as a Variant of Uncertain Significance.

NM_006767.4(LZTR1):c.2257A>G (p.Asn753Asp)

Gene: LZTR1 (leucine zipper like post translational regulator 1; plus strand). Cytogenetic location: 22q11.21.
Variant type: single nucleotide variant.
Coding change: c.2257A>G on transcript NM_006767.4 (MANE Select); coding-DNA position 2257, A replaced by G.
Protein change: p.Asn753Asp; replaces asparagine 753 with aspartic acid.
Molecular consequence: missense variant.
Genome position (GRCh38, 1-based): chr22:20,996,733, A>G. VCF-style: chr22-20996733-A-G. GRCh37 (hg19) VCF-style: chr22-21351022-A-G.
Other names: short protein forms N753D.
Identifiers: ClinVar variation 1788537 (VCV001788537.4), dbSNP rs2518625693, ClinGen allele CA410780802.
Genomic context (GRCh38, chr22:20,996,733, plus strand): 5'-TCAGCTCCTTAACCAGGCCCCAGCTACTTGTTTGCGGCCCCCTACTACTACGGCTTCTAC[A>G]ACAACCGGCTGCAGGCGTACTGCAAGCAGAACCTGGAGATGAACGTGACGGTGCAGAACG-3'
Protein context (NP_006758.2, residues 743-763): FAAPYYYGFY[Asn753Asp]NRLQAYCKQN